The following is an entry in ClinVar:

GRCh37/hg19 Xp22.33(chrX:565807-631408)x1

Variant type: copy number loss.
Change: copy number 1 of chrX:565,807-631,408 (65.6 kb, GRCh37 coordinates, 1-based), cytogenetic band Xp22.33.
Identifiers: ClinVar variation 4683025 (VCV004683025.1).

ClinVar aggregate classification (germline): Pathogenic (1 of 4 stars; one submission).

Submission:

Quest Diagnostics Nichols Institute San Juan Capistrano
Classification: Pathogenic. Last evaluated: 2025-01-06. Review status: criteria provided, single submitter. Criteria: ACMG/ClinGen CNV Guidelines, 2019. Collection method: clinical testing. Allele origin: unknown.
Comment: This Xp22.33 deletion involves SHOX (OMIM 312865). Haploinsufficiency of the SHOX is associated with Leri-Weill dyschondrosteosis (LWD; OMIM 127300; CCID:007845) and idiopathic familial short stature (OMIM 300582; CCID:007845). This deletion exhibits variable expressivity, becoming more pronounced with age and being more severe in females (Binder 2024). Therefore, based on gene content and literature, this copy number variant is classified as pathogenic. References: Binder et al., GeneReviews [Internet]. 2024 May 23. PMID: 20301394